The following is an entry in ClinVar:

NM_058216.3(RAD51C):c.912T>G (p.Ser304Arg)

Gene: RAD51C (RAD51 paralog C; plus strand). Cytogenetic location: 17q22.
Variant type: single nucleotide variant.
Coding change: c.912T>G on transcript NM_058216.3 (MANE Select); coding-DNA position 912, T replaced by G.
Protein change: p.Ser304Arg; replaces serine 304 with arginine.
Molecular consequence: missense variant. On other transcripts: non-coding transcript variant (1).
Genome position (GRCh38, 1-based): chr17:58,724,047, T>G. VCF-style: chr17-58724047-T-G. GRCh37 (hg19) VCF-style: chr17-56801408-T-G.
Other names: short protein forms S304R.
Identifiers: ClinVar variation 584558 (VCV000584558.12), dbSNP rs876659009, ClinGen allele CA400361305.
Genomic context (GRCh38, chr17:58,724,047, plus strand): 5'-TGTATAACCAAGTCAGTAAGGCCATATACAGTTATTATGTTTTTTACTCTCAGGGGAAAG[T>G]TGGGGACATGCTGCTACAATACGGCTAATCTTTCATTGGGACCGAAAGCAAAGGTCAGTA-3'
Protein context (NP_478123.1, residues 294-314): QALLVPALGE[Ser304Arg]WGHAATIRLI

ClinVar aggregate classification (germline): Uncertain significance. Review status: criteria provided, multiple submitters, no conflicts (2 of 4 stars). 4 submissions from 4 submitters: Uncertain significance (4). Last evaluated 2025-08-15.

Conditions:
Fanconi anemia complementation group O. Also called: RAD51C-Related Fanconi Anemia. Identifiers: Orphanet 84, MedGen C3150653, MONDO:0013248, OMIM 613390.
Hereditary cancer-predisposing syndrome. Also called: Neoplastic Syndromes, Hereditary; Hereditary Cancer Syndrome; Tumor predisposition; Hereditary neoplastic syndrome. Identifiers: Orphanet 140162, MedGen C0027672, MeSH D009386, MONDO:0015356.

Submissions (4):

Labcorp Genetics (formerly Invitae), Labcorp
Classification: Uncertain significance for Fanconi anemia complementation group O. Last evaluated: 2025-08-15. Review status: criteria provided, single submitter. Criteria: Invitae Variant Classification Sherloc (09022015). Collection method: clinical testing. Allele origin: germline.
Comment: This sequence change replaces serine, which is neutral and polar, with arginine, which is basic and polar, at codon 304 of the RAD51C protein (p.Ser304Arg). This variant is not present in population databases (gnomAD no frequency). This missense change has been observed in individual(s) with RAD51C-related conditions (PMID: 31159747). ClinVar contains an entry for this variant (Variation ID: 584558). Invitae Evidence Modeling of protein sequence and biophysical properties (such as structural, functional, and spatial information, amino acid conservation, physicochemical variation, residue mobility, and thermodynamic stability) indicates that this missense variant is expected to disrupt RAD51C protein function with a positive predictive value of 80%. In summary, the available evidence is currently insufficient to determine the role of this variant in disease. Therefore, it has been classified as a Variant of Uncertain Significance.

Ambry Genetics
Classification: Uncertain significance for Hereditary cancer-predisposing syndrome. Last evaluated: 2025-05-08. Review status: criteria provided, single submitter. Criteria: Ambry Variant Classification Scheme 2023. Collection method: clinical testing. Allele origin: germline.
Comment: The p.S304R variant (also known as c.912T>G), located in coding exon 7 of the RAD51C gene, results from a T to G substitution at nucleotide position 912. The serine at codon 304 is replaced by arginine, an amino acid with dissimilar properties. This amino acid position is highly conserved in available vertebrate species. In addition, the in silico prediction for this alteration is inconclusive. Based on the available evidence, the clinical significance of this variant remains unclear.

Mendelics
Classification: Uncertain significance for Fanconi anemia complementation group O. Last evaluated: 2019-05-28. Review status: criteria provided, single submitter. Criteria: Mendelics Assertion Criteria 2017. Collection method: clinical testing. Allele origin: unknown.

GeneKor MSA
Classification: Uncertain significance for Hereditary cancer-predisposing syndrome. Last evaluated: 2018-08-01. Review status: criteria provided, single submitter. Criteria: ACMG Guidelines, 2015. Collection method: clinical testing. Allele origin: germline. Affected: yes.

Literature cited by the submitters: PubMed 31159747 (cited by Labcorp Genetics (formerly Invitae), Labcorp).